The following is an entry in ClinVar:

NM_198428.3(BBS9):c.1230C>T (p.Asp410=)

Gene: BBS9 (Bardet-Biedl syndrome 9; plus strand). Cytogenetic location: 7p14.3.
Variant type: single nucleotide variant.
Coding change: c.1230C>T on transcript NM_198428.3 (MANE Select); coding-DNA position 1230, C replaced by T.
Protein change: p.Asp410=; no amino-acid change (aspartic acid 410 retained).
Molecular consequence: synonymous variant. On other transcripts: non-coding transcript variant (3).
Genome position (GRCh38, 1-based): chr7:33,340,928, C>T. VCF-style: chr7-33340928-C-T. GRCh37 (hg19) VCF-style: chr7-33380540-C-T.
Other names: c.1230C>T, p.Asp410= (NM_001033604.2, NM_001033605.2, NM_001348036.1 and 7 more transcripts); c.864C>T, p.Asp288= (NM_001348037.3, NM_001348044.3, NM_001348045.3 and 1 more transcripts); c.957C>T, p.Asp319= (NM_001348038.3, NM_001348039.3); c.1095C>T, p.Asp365= (NM_001348042.3).
Identifiers: ClinVar variation 3032047 (VCV003032047.2), dbSNP rs915003834, ClinGen allele CA156727320.

ClinVar aggregate classification (germline): Likely benign (0 of 4 stars; one submission).

Conditions:
BBS9-related disorder. Also called: BBS9-related condition.

Allele frequency attached by ClinVar (database versions not stated): gnomAD exomes below 0.00001; TOPMed 0.00001.
gnomAD v4.1: 3 of 1,613,568 alleles (0.00019%); highest among the groups gnomAD compares: Admixed American, 0.0017%; no homozygotes.

Submission:

PreventionGenetics, part of Exact Sciences
Classification: Likely benign for BBS9-related condition. Last evaluated: 2020-12-15. Review status: no assertion criteria provided. Collection method: clinical testing. Allele origin: germline.
Comment: This variant is classified as likely benign based on ACMG/AMP sequence variant interpretation guidelines (Richards et al. 2015 PMID: 25741868, with internal and published modifications).